The following is an entry in ClinVar:

Conditions:
Long QT syndrome 5 (LQT5). Identifiers: Orphanet 101016, Orphanet 768, MedGen C1867904, MONDO:0013372, OMIM 613695.

Submission:

Roden Lab, Vanderbilt University Medical Center
No classification provided (evidence only). Condition: Long QT syndrome 5. Review status: no classification provided. Collection method: in vitro. Allele origin: not applicable. Functional consequence: Effect on ion channel function.
ClinVar note: "not provided" was previously submitted as the classification for the variant. However, the classification appeared to be based only on an observation of functional data so it was converted to no classification on 2025-07-30.

NM_000219.6(KCNE1):c.259T>A (p.Trp87Arg)

Gene: KCNE1 (potassium voltage-gated channel subfamily E regulatory subunit 1; minus strand). Cytogenetic location: 21q22.12.
Variant type: single nucleotide variant.
Coding change: c.259T>A on transcript NM_000219.6 (MANE Select); coding-DNA position 259, T replaced by A.
Protein change: p.Trp87Arg; replaces tryptophan 87 with arginine.
Molecular consequence: missense variant.
Genome position (GRCh38, 1-based): chr21:34,449,376, A>T on the plus strand (T>A on the coding strand, the complement: KCNE1 is on the minus strand). VCF-style: chr21-34449376-A-T. GRCh37 (hg19) VCF-style: chr21-35821674-A-T.
Other names: c.259T>A, p.Trp87Arg (NM_001127668.4, NM_001127669.4, NM_001127670.4 and 4 more transcripts); short protein forms W87R.
Identifiers: ClinVar variation 3374462 (VCV003374462.2).